The following is an entry in ClinVar:

ClinVar aggregate classification (germline): Likely pathogenic. Review status: criteria provided, multiple submitters, no conflicts (2 of 4 stars). 3 submissions from 3 submitters: Likely pathogenic (3). Last evaluated 2025-07-25.

Conditions:
Cockayne syndrome. Identifiers: Orphanet 191, MedGen C0009207, MONDO:0016006.
ERCC8-related disorders.

Submissions (3):

Women's Health and Genetics/Laboratory Corporation of America, LabCorp
Classification: Likely pathogenic for Cockayne syndrome. Last evaluated: 2025-07-25. Review status: criteria provided, single submitter. Criteria: LabCorp Variant Classification Summary - May 2015. Collection method: clinical testing. Allele origin: germline.
Comment: Variant summary: ERCC8 c.611C>A (p.Thr204Lys) results in a non-conservative amino acid change in the encoded protein sequence. Algorithms developed to predict the effect of missense changes on protein structure and function all suggest that this variant is likely to be disruptive. The variant was absent in 250900 control chromosomes (gnomAD). c.611C>A has been observed in individuals affected with Cockayne Syndrome (e.g., Bertola_2006, Calmels_2016, Labcorp (formerly Invitae)). These data indicate that the variant is likely to be associated with disease. To our knowledge, no experimental evidence demonstrating an impact on protein function has been reported. The following publications have been ascertained in the context of this evaluation (PMID: 16865293, 27004399, 34461059, 34946871). ClinVar contains an entry for this variant (Variation ID: 1426460). Based on the evidence outlined above, the variant was classified as likely pathogenic.

Labcorp Genetics (formerly Invitae), Labcorp
Classification: Likely pathogenic. Last evaluated: 2023-09-21. Review status: criteria provided, single submitter. Criteria: Invitae Variant Classification Sherloc (09022015). Collection method: clinical testing. Allele origin: germline.
Comment: This sequence change replaces threonine, which is neutral and polar, with lysine, which is basic and polar, at codon 204 of the ERCC8 protein (p.Thr204Lys). This variant is not present in population databases (gnomAD no frequency). This missense change has been observed in individuals with clinical featureas of Cockayne syndrome (PMID: 16865293, 27004399; Invitae). ClinVar contains an entry for this variant (Variation ID: 1426460). Advanced modeling of protein sequence and biophysical properties (such as structural, functional, and spatial information, amino acid conservation, physicochemical variation, residue mobility, and thermodynamic stability) performed at Invitae indicates that this missense variant is expected to disrupt ERCC8 protein function. In summary, the currently available evidence indicates that the variant is pathogenic, but additional data are needed to prove that conclusively. Therefore, this variant has been classified as Likely Pathogenic.

Blueprint Genetics
Classification: Likely pathogenic for ERCC8-related disorders. Last evaluated: 2023-09-01. Review status: criteria provided, single submitter. Criteria: ACMG Guidelines, 2015. Collection method: clinical testing. Allele origin: germline. Affected: yes. Observed: 2 variant alleles.

Literature cited by the submitters: PubMed 27004399 (cited by Women's Health and Genetics/Laboratory Corporation of America, LabCorp and Labcorp Genetics (formerly Invitae), Labcorp); PubMed 34461059 (cited by Women's Health and Genetics/Laboratory Corporation of America, LabCorp); PubMed 16865293 (cited by Women's Health and Genetics/Laboratory Corporation of America, LabCorp and Labcorp Genetics (formerly Invitae), Labcorp); PubMed 34946871 (cited by Women's Health and Genetics/Laboratory Corporation of America, LabCorp).

NM_000082.4(ERCC8):c.611C>A (p.Thr204Lys)

Gene: ERCC8 (ERCC excision repair 8, CSA ubiquitin ligase complex subunit; minus strand). Cytogenetic location: 5q12.1.
Variant type: single nucleotide variant.
Coding change: c.611C>A on transcript NM_000082.4 (MANE Select); coding-DNA position 611, C replaced by A.
Protein change: p.Thr204Lys; replaces threonine 204 with lysine.
Molecular consequence: missense variant.
Genome position (GRCh38, 1-based): chr5:60,902,448, G>T on the plus strand (C>A on the coding strand, the complement: ERCC8 is on the minus strand). VCF-style: chr5-60902448-G-T. GRCh37 (hg19) VCF-style: chr5-60198275-G-T.
Other names: c.437C>A, p.Thr146Lys (NM_001007233.3); c.152C>A, p.Thr51Lys (NM_001290285.2); short protein forms T51K, T146K, T204K.
Identifiers: ClinVar variation 1426460 (VCV001426460.9), dbSNP rs1211144774, ClinGen allele CA359825826.
Genomic context (GRCh38, chr5:60,902,448, plus strand): 5'-TCAAAATGCTTATTATTAATTACTAACTTCAAAAGCAAATAAGTTAAATTTTACCTTGCT[G>T]TTGCCAAGATATAGTCATAACGTGGAGACCAGGAAACTGCTAATATTTCTTGTCTGTGAC-3'
Protein context (NP_000073.1, residues 194-214): WSPRYDYILA[Thr204Lys]ASADSRVKLW